The following is an entry in ClinVar:

ClinVar aggregate classification (germline): Uncertain significance. Review status: criteria provided, multiple submitters, no conflicts (2 of 4 stars). 5 submissions from 5 submitters: Uncertain significance (5). Last evaluated 2025-07-25.

Conditions:
Familial thoracic aortic aneurysm and aortic dissection (TAAD). Also called: Thoracic aortic aneurysms and dissections. Identifiers: Orphanet 91387, MedGen C4707243, MONDO:0019625.
Aortic aneurysm, familial thoracic 4 (AAT4). Also called: AORTIC ANEURYSM/AORTIC DISSECTION AND PATENT DUCTUS ARTERIOSUS. Identifiers: MedGen C1851504, MONDO:0007568, OMIM 132900.

Allele frequency attached by ClinVar (database versions not stated): gnomAD 0.00001; ExAC 0.00002; TOPMed 0.00002; ESP Exome Variant Server 0.00008.
gnomAD v4.1: 35 of 1,614,092 alleles (0.0022%); highest among the groups gnomAD compares: Non-Finnish European, 0.003%; no homozygotes.

Submissions (5):

Labcorp Genetics (formerly Invitae), Labcorp
Classification: Uncertain significance for Aortic aneurysm, familial thoracic 4. Last evaluated: 2025-07-25. Review status: criteria provided, single submitter. Criteria: Invitae Variant Classification Sherloc (09022015). Collection method: clinical testing. Allele origin: germline.
Comment: This sequence change replaces glutamic acid, which is acidic and polar, with lysine, which is basic and polar, at codon 1501 of the MYH11 protein (p.Glu1501Lys). This variant is present in population databases (rs375969176, gnomAD 0.005%). This variant has not been reported in the literature in individuals affected with MYH11-related conditions. ClinVar contains an entry for this variant (Variation ID: 645057). Invitae Evidence Modeling of protein sequence and biophysical properties (such as structural, functional, and spatial information, amino acid conservation, physicochemical variation, residue mobility, and thermodynamic stability) indicates that this missense variant is not expected to disrupt MYH11 protein function with a negative predictive value of 95%. In summary, the available evidence is currently insufficient to determine the role of this variant in disease. Therefore, it has been classified as a Variant of Uncertain Significance.

Ambry Genetics
Classification: Uncertain significance for Familial thoracic aortic aneurysm and aortic dissection. Last evaluated: 2025-03-18. Review status: criteria provided, single submitter. Criteria: Ambry Variant Classification Scheme 2023. Collection method: clinical testing. Allele origin: germline.
Comment: The p.E1494K variant (also known as c.4480G>A), located in coding exon 31 of the MYH11 gene, results from a G to A substitution at nucleotide position 4480. The glutamic acid at codon 1494 is replaced by lysine, an amino acid with similar properties. This amino acid position is conserved. In addition, this alteration is predicted to be deleterious by in silico analysis. Since supporting evidence is limited at this time, the clinical significance of this alteration remains unclear.

All of Us Research Program, National Institutes of Health
Classification: Uncertain significance for Familial thoracic aortic aneurysm and aortic dissection. Last evaluated: 2024-05-14. Review status: criteria provided, single submitter. Criteria: ACMG Guidelines, 2015. Collection method: clinical testing. Allele origin: germline. Inheritance: Autosomal dominant inheritance. Observed: 4 variant alleles, 4 heterozygotes.
Comment: This missense variant replaces glutamic acid with lysine at codon 1501 of the MYH11 protein. Computational prediction suggests that this variant may have deleterious impact on protein structure and function (internally defined REVEL score threshold >= 0.7, PMID: 27666373). To our knowledge, functional studies have not been reported for this variant. This variant has not been reported in individuals affected with cardiovascular disorders in the literature. This variant has been identified in 4/282882 chromosomes in the general population by the Genome Aggregation Database (gnomAD). The available evidence is insufficient to determine the role of this variant in disease conclusively. Therefore, this variant is classified as a Variant of Uncertain Significance.

This study involves interpretation of variants in research participants for the purpose of population health screening. Participant phenotype was not available at the time of variant classification. Additional details can be found in publication PMID: 35346344, PMCID: PMC8962531

Color Diagnostics, LLC DBA Color Health
Classification: Uncertain significance for Familial thoracic aortic aneurysm and aortic dissection. Last evaluated: 2024-03-06. Review status: criteria provided, single submitter. Criteria: ACMG Guidelines, 2015. Collection method: clinical testing. Allele origin: germline.
Comment: This missense variant replaces glutamic acid with lysine at codon 1501 of the MYH11 protein. Computational prediction suggests that this variant may have deleterious impact on protein structure and function (internally defined REVEL score threshold >= 0.7, PMID: 27666373). To our knowledge, functional studies have not been reported for this variant. This variant has not been reported in individuals affected with MYH11-related disorders in the literature. This variant has been identified in 4/282882 chromosomes in the general population by the Genome Aggregation Database (gnomAD). The available evidence is insufficient to determine the role of this variant in disease conclusively. Therefore, this variant is classified as a Variant of Uncertain Significance.

Mayo Clinic Laboratories, Mayo Clinic
Classification: Uncertain significance. Last evaluated: 2021-05-26. Review status: criteria provided, single submitter. Criteria: ACMG Guidelines, 2015. Collection method: clinical testing. Allele origin: germline.

NM_002474.3(MYH11):c.4480G>A (p.Glu1494Lys)

Genes: NDE1 (nudE neurodevelopment protein 1; plus strand), MYH11 (myosin heavy chain 11; minus strand). Cytogenetic location: 16p13.11.
Variant type: single nucleotide variant.
Coding change: c.4480G>A on transcript NM_002474.3 (MANE Select); coding-DNA position 4480, G replaced by A.
Protein change: p.Glu1494Lys; replaces glutamic acid 1494 with lysine.
Molecular consequence: missense variant. On other transcripts: intron variant (2).
Genome position (GRCh38, 1-based): chr16:15,721,520, C>T on the plus strand (G>A on the coding strand, the complement: MYH11 is on the minus strand). VCF-style: chr16-15721520-C-T. GRCh37 (hg19) VCF-style: chr16-15815377-C-T.
Other names: p.Glu1494Lys; c.4501G>A, p.Glu1501Lys (NM_001040113.2, NM_001040114.2); c.4480G>A, p.Glu1494Lys (NM_022844.3); c.948-2671C>T (NM_001143979.2, NM_017668.3); short protein forms E1501K, E1494K.
Identifiers: ClinVar variation 645057 (VCV000645057.23), dbSNP rs375969176, ClinGen allele CA7921659.